The following is an entry in ClinVar:

ClinVar aggregate classification (germline): Likely pathogenic (1 of 4 stars; one submission).

Conditions:
Premature ovarian failure 13 (POF13). Identifiers: MedGen C4479510, MONDO:0044317, OMIM 617442.

Submission:

EVOGEN
Classification: Likely pathogenic for Premature ovarian failure 13. Review status: criteria provided, single submitter. Criteria: ACMG Guidelines, 2015. Collection method: clinical testing. Allele origin: germline. Inheritance: Autosomal recessive inheritance. Affected: yes.
Comment: PVS1: Null variant (nonsense) in gene MSH5, predicted to cause NMD. Loss-of-function is a known mechanism of disease (gene has 4 reported pathogenic LOF variants). The truncated region contains 5 pathogenic variants. PM2: Variant not found in gnomAD genomes, good gnomAD genomes coverage = 29.9. GnomAD exomes homozygous allele count = 0 is less than 2 for AR gene MSH5, good gnomAD exomes coverage = 32.5.

NM_172166.4(MSH5):c.680dup (p.Tyr227Ter)

Genes: MSH5 (mutS homolog 5; plus strand), MSH5-SAPCD1 (MSH5-SAPCD1 readthrough (NMD candidate); plus strand). Cytogenetic location: 6p21.33.
Variant type: Duplication.
Coding change: c.680dup on transcript NM_172166.4 (MANE Select); coding-DNA position 680, one base duplicated (A; older notation c.680dupA).
Protein change: p.Tyr227Ter; replaces tyrosine 227 with a stop codon.
Molecular consequence: nonsense. On other transcripts: non-coding transcript variant (1).
Genome position (GRCh38, 1-based): chr6:31,744,578, A duplicated. VCF-style (leftmost placement, unchanged base first): chr6-31744577-T-TA. GRCh37 (hg19) VCF-style: chr6-31712354-T-TA.
Other names: c.680dup, p.Tyr227Ter (NM_002441.5, NM_172165.4); c.731dup, p.Tyr244Ter (NM_025259.6); short protein forms Y227*, Y244*.
Identifiers: ClinVar variation 4853821 (VCV004853821.1).
Genomic context (GRCh38, chr6:31,744,577, plus strand): 5'-CTTCCTGCTTTTTTGTTTTCTGTCCTCAGGACTCATCTGGTGAACATAGATCAAGACACT[T>TA]ACAGGTAAAGAGGTGGAGGCATGCTGCTGTCTCTGGGGAGGGAGAAGGATTAAGTTTAAT-3'